The following is an entry in ClinVar:

NM_015629.4(PRPF31):c.5C>G (p.Ser2Cys)

Gene: PRPF31 (pre-mRNA processing factor 31; plus strand). Cytogenetic location: 19q13.42.
Variant type: single nucleotide variant.
Coding change: c.5C>G on transcript NM_015629.4 (MANE Select); coding-DNA position 5, C replaced by G.
Protein change: p.Ser2Cys; replaces serine 2 with cysteine.
Molecular consequence: missense variant.
Genome position (GRCh38, 1-based): chr19:54,118,283, C>G. VCF-style: chr19-54118283-C-G. GRCh37 (hg19) VCF-style: chr19-54621663-C-G.
Other names: short protein forms S2C.
Identifiers: ClinVar variation 2054023 (VCV002054023.4), dbSNP rs2516078026, ClinGen allele CA407788951.

ClinVar aggregate classification (germline): Uncertain significance (1 of 4 stars; one submission).

Submission:

Labcorp Genetics (formerly Invitae), Labcorp
Classification: Uncertain significance. Last evaluated: 2021-12-22. Review status: criteria provided, single submitter. Criteria: Invitae Variant Classification Sherloc (09022015). Collection method: clinical testing. Allele origin: germline.
Comment: This sequence change replaces serine, which is neutral and polar, with cysteine, which is neutral and slightly polar, at codon 2 of the PRPF31 protein (p.Ser2Cys). This variant is not present in population databases (gnomAD no frequency). This missense change has been observed in individual(s) with retinitis pigmentosa (PMID: 19506198). Algorithms developed to predict the effect of missense changes on protein structure and function are either unavailable or do not agree on the potential impact of this missense change (SIFT: "Deleterious"; PolyPhen-2: "Not Available"; Align-GVGD: "Class C0"). In summary, the available evidence is currently insufficient to determine the role of this variant in disease. Therefore, it has been classified as a Variant of Uncertain Significance.

Literature cited by the submitters: PubMed 19506198.